The following is an entry in ClinVar:

ClinVar aggregate classification (germline): Conflicting classifications of pathogenicity. Review status: criteria provided, conflicting classifications (1 of 4 stars). 13 submissions from 13 submitters: Uncertain significance (11); Likely benign (2). Last evaluated 2026-06-03.

Conditions:
Fanconi anemia, complementation group S (FANCS). Identifiers: MedGen C4554406, MONDO:0054748, OMIM 617883.
Breast-ovarian cancer, familial, susceptibility to, 1 (BROVCA1). Also called: BRCA1 Hereditary Breast and Ovarian Cancer; OVARIAN CANCER, SUSCEPTIBILITY TO. Identifiers: Orphanet 145, MedGen C2676676, MONDO:0011450, OMIM 604370. Disease mechanism: loss of function.
Pancreatic cancer, susceptibility to, 4. Identifiers: Orphanet 1333, MedGen C3280442, MONDO:0013685, OMIM 614320.
Hereditary cancer-predisposing syndrome. Also called: Tumor predisposition; Hereditary neoplastic syndrome; Hereditary Cancer Syndrome; Neoplastic Syndromes, Hereditary. Identifiers: Orphanet 140162, MedGen C0027672, MeSH D009386, MONDO:0015356.
Hereditary breast ovarian cancer syndrome. Also called: Hereditary breast and/or ovarian cancer syndrome; Breast and ovarian cancer; Hereditary breast and ovarian cancer syndrome; Hereditary breast and ovarian cancer; Hereditary breast and ovarian cancer syndrome (HBOC); BRCA1- and BRCA2-Associated Hereditary Breast and Ovarian Cancer. Identifiers: Orphanet 145, MedGen C0677776, MeSH D061325, MONDO:0003582. Disease mechanism: loss of function.

Allele frequency attached by ClinVar (database versions not stated): ExAC 0.00001; gnomAD 0.00001; gnomAD exomes 0.00001 and 0.00002; TOPMed 0.00002.

Submissions 1 to 7 of 14:

Women's Health and Genetics/Laboratory Corporation of America, LabCorp
Classification: Uncertain significance. Last evaluated: 2026-06-03. Review status: criteria provided, single submitter. Criteria: LabCorp Variant Classification Summary - May 2015. Collection method: clinical testing. Allele origin: germline.
Comment: Variant summary: BRCA1 c.5481G>A (p.Met1827Ile) results in a conservative amino acid change in the encoded protein sequence. Algorithms developed to predict the effect of missense changes on protein structure and function all suggest that this variant is likely to be tolerated. The variant allele was found at a frequency of 8e-06 in 250954 control chromosomes. The available data on variant occurrences in the general population are insufficient to allow any conclusion about variant significance. To our knowledge, no occurrence of c.5481G>A in individuals affected with BRCA1-related conditions and no experimental evidence demonstrating its impact on protein function have been reported. ClinVar contains an entry for this variant (Variation ID: 142395). Based on the evidence outlined above, the variant was classified as uncertain significance.

Labcorp Genetics (formerly Invitae), Labcorp
Classification: Uncertain significance for Hereditary breast ovarian cancer syndrome. Last evaluated: 2025-11-17. Review status: criteria provided, single submitter. Criteria: Invitae Variant Classification Sherloc (09022015). Collection method: clinical testing. Allele origin: germline.
Comment: This sequence change replaces methionine, which is neutral and non-polar, with isoleucine, which is neutral and non-polar, at codon 1827 of the BRCA1 protein (p.Met1827Ile). This variant is present in population databases (rs587782432, gnomAD 0.01%). This variant has not been reported in the literature in individuals affected with BRCA1-related conditions. ClinVar contains an entry for this variant (Variation ID: 142395). Invitae Evidence Modeling incorporating data from in vitro experimental studies (PMID: 30209399) indicates that this missense variant is not expected to disrupt BRCA1 function with a negative predictive value of 95%. Experimental studies have shown that this missense change does not substantially affect BRCA1 function (PMID: 30209399, 34793697). In summary, the available evidence is currently insufficient to determine the role of this variant in disease. Therefore, it has been classified as a Variant of Uncertain Significance.

GeneDx
Classification: Uncertain significance. Last evaluated: 2025-08-21. Review status: criteria provided, single submitter. Criteria: GeneDx Variant Classification Process June 2021. Collection method: clinical testing. Allele origin: germline.
Comment: In silico analysis suggests that this missense variant does not alter protein structure/function; Not observed at significant frequency in large population cohorts (gnomAD); Published functional studies demonstrate no damaging effect: variant classified as functional based on a saturation genome editing (SGE) assay measuring cell survival (PMID: 30209399); Also known as 5600G>A; This variant is associated with the following publications: (PMID: 30209399, 25348405, 39142283, 33471991)

Institute for Biomarker Research, Medical Diagnostic Laboratories, L.L.C.
Classification: Uncertain significance for Hereditary breast ovarian cancer syndrome. Last evaluated: 2025-05-15. Review status: criteria provided, single submitter. Criteria: ACMG Guidelines, 2015. Collection method: clinical testing. Allele origin: germline.
Comment: The missense variant NM_007294.4(BRCA1):c.5481G>A (p.Met1827Ile) has not been reported previously as a pathogenic variant, to our knowledge. There is a small physicochemical difference between methionine and isoleucine, which is not likely to impact secondary protein structure as these residues share similar properties.The p.Met1827Ile variant is not predicted to introduce a novel splice site by any splice site algorithm. The p.Met1827Ile missense variant is predicted to be tolerated by both SIFT or PolyPhen2. The nucleotide c.5481 in BRCA1 is not conserved according to a GERP++ and PhyloP analysis of 100 vertebrates. For these reasons, this variant has been classified as Uncertain Significance.

Color Diagnostics, LLC DBA Color Health
Classification: Uncertain significance for Hereditary cancer-predisposing syndrome. Last evaluated: 2025-03-04. Review status: criteria provided, single submitter. Criteria: ACMG Guidelines, 2015. Collection method: clinical testing. Allele origin: germline.
Comment: This missense variant replaces methionine with isoleucine at codon 1827 of the BRCA1 protein. Computational prediction suggests that this variant may not impact protein structure and function. A functional study reported that this variant does not impact BRCA1 function in a haploid human cell proliferation assay (PMID: 30209399). This variant has been detected in a breast cancer case-control meta-analysis in 2/60466 cases and 0/53461 unaffected individuals (PMID: 33471991; Leiden Open Variation Database DB-ID BRCA1_005886). A multifactorial analysis has reported a likelihood ratio for pathogenicity based on personal and family history of 0.427 from log(LR)=-0.369798005 for two carriers (PMID: 31853058). This variant has been identified in 2/250954 chromosomes in the general population by the Genome Aggregation Database (gnomAD). The available evidence is insufficient to determine the role of this variant in disease conclusively. Therefore, this variant is classified as a Variant of Uncertain Significance.

Lupski Lab, Baylor-Hopkins CMG, Baylor College of Medicine
Classification: Likely benign for Breast-ovarian cancer, familial, susceptibility to, 1. Last evaluated: 2024-04-12. Review status: criteria provided, single submitter. Criteria: Dawood et al. (medRxiv. 2024). Collection method: curation. Allele origin: germline.
Comment: Each variant was annotated with functional scores from MAVE data which was translated into functional evidence codes. All other evidence codes and combining criteria were adhered to as closely as possible based on the ClinGen VCEP (Variant Curation Expert Panel) gene-specific recommendations. See Supplemental Figure 34 of final paper (Supp Fig. 28 in preprint: doi:10.1101/2024.04.11.24305690) for a table to see which lines of evidence we did not have data for. The ClinGen VCEPs are highly regarded as the gold-standard for gene-specific variant curation and are developed after extensive evaluation of the evidence by clinical and scientific experts for the particular gene to classify genomic variants on a spectrum from pathogenic to benign using the 2015 ACMG/AMP Variant Interpretation Guidelines as a backbone (PMID: 25741868). Reclassification of these VUS variants from gnomAD or All of Us focused only on variants originally prescribed as VUS in ClinVar. To ensure reproducibility, transparency, and increased throughput, all the procedures for annotating variants and assigning evidence codes were codified using Python. All code has been made freely available and is linked in the Code Availability section and all reclassified variants with evidence codes used can be found in Tables S18-19 (preprint: doi:10.1101/2024.04.11.24305690). For the MAVE data, the clinical curation and clinical strength assignment as per the ClinGen recommendations in Brnich et al. (2020) (PMID: 31892348) for or against pathogenicity or benignity of each of these MAVE datasets utilized in this study were previously published in Fayer et al. (2021) (PMID: 34793697).In brief, for BRCA1 variants, if a variant was categorized as FUNC (functional), it was assigned BS3 evidence and no PS3 evidence, whereas if it was categorized as LOF (loss of function), the variant was assigned PS3 evidence and no BS3 evidence. Variants categorized as INT (intermediate) were left unannotated. For the BRCA1 combining criteria, greater than or equal to 1 criteria of strong benign evidence was enough to reclassify the VUS as Likely Benign. This variant GRCh38:17:43045789:C>T was assigned evidence codes ['BS3', 'BP4'] and an overall classification of Likely benign

Fulgent Genetics
Classification: Uncertain significance for Breast-ovarian cancer, familial, susceptibility to, 1; Pancreatic cancer, susceptibility to, 4; Fanconi anemia, complementation group S. Last evaluated: 2024-02-06. Review status: criteria provided, single submitter. Criteria: ACMG Guidelines, 2015. Collection method: clinical testing. Allele origin: germline.

NM_007294.4(BRCA1):c.5481G>A (p.Met1827Ile)

Gene: BRCA1 (BRCA1 DNA repair associated; minus strand). Cytogenetic location: 17q21.31.
Variant type: single nucleotide variant.
Coding change: c.5481G>A on transcript NM_007294.4 (MANE Select); coding-DNA position 5481, G replaced by A.
Protein change: p.Met1827Ile; replaces methionine 1827 with isoleucine.
Molecular consequence: missense variant. On other transcripts: non-coding transcript variant (1).
Genome position (GRCh38, 1-based): chr17:43,045,789, C>T on the plus strand (G>A on the coding strand, the complement: BRCA1 is on the minus strand). VCF-style: chr17-43045789-C-T. GRCh37 (hg19) VCF-style: chr17-41197806-C-T.
Other names: c.5337G>A, p.Met1779Ile (NM_001407739.1, NM_001407740.1, NM_001407741.1 and 18 more transcripts); c.5334G>A, p.Met1778Ile (NM_001407843.1, NM_001407844.1, NM_001407845.1 and 12 more transcripts); c.5274G>A, p.Met1758Ile (NM_001407875.1, NM_001407874.1); c.5271G>A, p.Met1757Ile (NM_001407879.1, NM_001407881.1, NM_001407882.1 and 5 more transcripts); c.5268G>A, p.Met1756Ile (NM_001407907.1, NM_001407908.1, NM_001407909.1 and 12 more transcripts); c.5265G>A, p.Met1755Ile (NM_001407915.1, NM_001407916.1, NM_001407917.1 and 1 more transcripts); c.5229G>A, p.Met1743Ile (NM_001407919.1); c.5214G>A, p.Met1738Ile (NM_001407930.1, NM_001407931.1, NM_001407932.1 and 4 more transcripts); and 83 more; short protein forms M1827I, M1780I, M723I, V699M, M1848I, M1673I, M1699I, M1714I.
Identifiers: ClinVar variation 142395 (VCV000142395.34), dbSNP rs587782432, ClinGen allele CA003651.